The following is an entry in ClinVar:

ClinVar aggregate classification (germline): Uncertain significance (1 of 4 stars; one submission).

Submission:

Labcorp Genetics (formerly Invitae), Labcorp
Classification: Uncertain significance. Last evaluated: 2022-02-05. Review status: criteria provided, single submitter. Criteria: Invitae Variant Classification Sherloc (09022015). Collection method: clinical testing. Allele origin: germline.
Comment: This variant has not been reported in the literature in individuals affected with KMT2A-related conditions. In summary, the available evidence is currently insufficient to determine the role of this variant in disease. Therefore, it has been classified as a Variant of Uncertain Significance. Algorithms developed to predict the effect of sequence changes on RNA splicing suggest that this variant may create or strengthen a splice site. This variant is not present in population databases (gnomAD no frequency). This sequence change affects codon 1721 of the KMT2A mRNA. It is a 'silent' change, meaning that it does not change the encoded amino acid sequence of the KMT2A protein.

NM_001197104.2(KMT2A):c.5163G>T (p.Gly1721=)

Gene: KMT2A (lysine methyltransferase 2A; plus strand). Cytogenetic location: 11q23.3.
Variant type: single nucleotide variant.
Coding change: c.5163G>T on transcript NM_001197104.2 (MANE Select); coding-DNA position 5163, G replaced by T.
Protein change: p.Gly1721=; no amino-acid change (glycine 1721 retained).
Molecular consequence: synonymous variant.
Genome position (GRCh38, 1-based): chr11:118,493,215, G>T. VCF-style: chr11-118493215-G-T. GRCh37 (hg19) VCF-style: chr11-118363930-G-T.
Other names: c.5253G>T, p.Gly1751= (NM_001412597.1); c.5154G>T, p.Gly1718= (NM_005933.4).
Identifiers: ClinVar variation 2093368 (VCV002093368.4), dbSNP rs2134346381, ClinGen allele CA477092274.